The following is an entry in ClinVar:

ClinVar aggregate classification (germline): Uncertain significance (1 of 4 stars; one submission).

Submission:

GeneDx
Classification: Uncertain significance. Last evaluated: 2019-04-11. Review status: criteria provided, single submitter. Criteria: GeneDx Variant Classification Process June 2021. Collection method: clinical testing. Allele origin: germline. Affected: yes.
Comment: Not observed in large population cohorts (Lek et al., 2016); In silico analysis, which includes splice predictors and evolutionary conservation, supports a deleterious effect; Has not been previously published as pathogenic or benign to our knowledge; In the absence of RNA/functional studies, the actual effect of this sequence change is unknown

NM_006516.4(SLC2A1):c.1278+4A>G

Gene: SLC2A1 (solute carrier family 2 member 1; minus strand). Cytogenetic location: 1p34.2.
Variant type: single nucleotide variant.
Coding change: c.1278+4A>G on transcript NM_006516.4 (MANE Select); 4 bases into the intron after coding-DNA position 1278, A replaced by G.
Molecular consequence: intron variant.
Genome position (GRCh38, 1-based): chr1:42,927,601, T>C on the plus strand (A>G on the coding strand, the complement: SLC2A1 is on the minus strand). VCF-style: chr1-42927601-T-C. GRCh37 (hg19) VCF-style: chr1-43393272-T-C.
Identifiers: ClinVar variation 1308376 (VCV001308376.2), dbSNP rs2124446170, ClinGen allele CA2573051577.